The following is an entry in ClinVar:

NM_003848.4(SUCLG2):c.517G>C (p.Gly173Arg)

Gene: SUCLG2 (succinate-CoA ligase GDP-forming subunit beta; minus strand). Cytogenetic location: 3p14.1.
Variant type: single nucleotide variant.
Coding change: c.517G>C on transcript NM_003848.4 (MANE Select); coding-DNA position 517, G replaced by C.
Protein change: p.Gly173Arg; replaces glycine 173 with arginine.
Molecular consequence: missense variant.
Genome position (GRCh38, 1-based): chr3:67,520,535, C>G on the plus strand (G>C on the coding strand, the complement: SUCLG2 is on the minus strand). VCF-style: chr3-67520535-C-G. GRCh37 (hg19) VCF-style: chr3-67570959-C-G.
Other names: c.517G>C, p.Gly173Arg (NM_001177599.2); short protein forms G173R.
Identifiers: ClinVar variation 3171933 (VCV003171933.2), dbSNP rs757799757, ClinGen allele CA2486002.

ClinVar aggregate classification (germline): Uncertain significance. Review status: criteria provided, multiple submitters, no conflicts (2 of 4 stars). 2 submissions from 2 submitters: Uncertain significance (2). Last evaluated 2025-09-04.

gnomAD v4.1: 87 of 1,614,058 alleles (0.0054%); highest among the groups gnomAD compares: South Asian, 0.074%; 1 homozygote.

Submissions (2):

Labcorp Genetics (formerly Invitae), Labcorp
Classification: Uncertain significance. Last evaluated: 2025-09-04. Review status: criteria provided, single submitter. Criteria: Invitae Variant Classification Sherloc (09022015). Collection method: clinical testing. Allele origin: germline.
Comment: This sequence change replaces glycine, which is neutral and non-polar, with arginine, which is basic and polar, at codon 173 of the SUCLG2 protein (p.Gly173Arg). This variant is present in population databases (rs757799757, gnomAD 0.06%), and has an allele count higher than expected for a pathogenic variant. This variant has not been reported in the literature in individuals affected with SUCLG2-related conditions. ClinVar contains an entry for this variant (Variation ID: 3171933). An algorithm developed to predict the effect of missense changes on protein structure and function (PolyPhen-2) suggests that this variant is likely to be disruptive. In summary, the available evidence is currently insufficient to determine the role of this variant in disease. Therefore, it has been classified as a Variant of Uncertain Significance.

Ambry Genetics
Classification: Uncertain significance. Last evaluated: 2023-10-25. Review status: criteria provided, single submitter. Criteria: Ambry Variant Classification Scheme 2023. Collection method: clinical testing. Allele origin: germline.